The following is an entry in ClinVar:

ClinVar aggregate classification (germline): Uncertain significance (1 of 4 stars; one submission).

Submission:

GeneDx
Classification: Uncertain significance. Last evaluated: 2026-01-26. Review status: criteria provided, single submitter. Criteria: GeneDx Variant Classification Process June 2021. Collection method: clinical testing. Allele origin: germline.
Comment: Not observed at significant frequency in large population cohorts (gnomAD); In silico analysis suggests that this missense variant does not alter protein structure/function; Has not been previously published as pathogenic or benign to our knowledge

NM_213595.4(ISCU):c.53T>C (p.Leu18Pro)

Gene: ISCU (iron-sulfur cluster assembly enzyme; plus strand). Cytogenetic location: 12q23.3.
Variant type: single nucleotide variant.
Coding change: c.53T>C on transcript NM_213595.4 (MANE Select); coding-DNA position 53, T replaced by C.
Protein change: p.Leu18Pro; replaces leucine 18 with proline.
Molecular consequence: missense variant. On other transcripts: 5 prime UTR variant (1), non-coding transcript variant (1).
Genome position (GRCh38, 1-based): chr12:108,562,675, T>C. VCF-style: chr12-108562675-T-C. GRCh37 (hg19) VCF-style: chr12-108956451-T-C.
Other names: c.53T>C, p.Leu18Pro (NM_001301140.1, NM_001301141.1, NM_001320042.1); c.-119T>C (NM_014301.4); short protein forms L18P.
Identifiers: ClinVar variation 4975354 (VCV004975354.1).
Genomic context (GRCh38, chr12:108,562,675, plus strand): 5'-CCGGCAAGATGGCGGCGGCTGGGGCTTTCCGTCTGAGGCGGGCGGCATCGGCTCTGCTGC[T>C]GCGGAGCCCCCGCCTGCCCGCCCGGGAGCTGTCGGCCCCGGCCCGACTCTATCACAAGAA-3'
Protein context (NP_998760.1, residues 8-28): RLRRAASALL[Leu18Pro]RSPRLPAREL